The following is an entry in ClinVar:

ClinVar aggregate classification (germline): Uncertain significance (1 of 4 stars; one submission).

Submission:

CeGaT Center for Human Genetics Tuebingen
Classification: Uncertain significance. Last evaluated: 2025-10-01. Review status: criteria provided, single submitter. Criteria: CeGaT Center For Human Genetics Tuebingen Variant Classification Criteria Version 2. Collection method: clinical testing. Allele origin: germline. Affected: yes. Observed: 1 variant allele.
Comment: RBFOX1: PM2

NM_001415887.1(RBFOX1):c.211G>T (p.Glu71Ter)

Gene: RBFOX1 (RNA binding fox-1 homolog 1; plus strand). Cytogenetic location: 16p13.3.
Variant type: single nucleotide variant.
Coding change: c.211G>T on transcript NM_001415887.1; coding-DNA position 211, G replaced by T.
Protein change: p.Glu71Ter; replaces glutamic acid 71 with a stop codon.
Molecular consequence: nonsense.
Genome position (GRCh38, 1-based): chr16:5,239,977, G>T. VCF-style: chr16-5239977-G-T. GRCh37 (hg19) VCF-style: chr16-5289978-G-T.
Other names: c.211G>T, p.Glu71Ter (NM_001415888.1); short protein forms E71*.
Identifiers: ClinVar variation 4533777 (VCV004533777.6).
Genomic context (GRCh38, chr16:5,239,977, plus strand): 5'-ACTGGCAAGCCCCGAGGCAGGGATGGCCGGCCCAGGAGGGAGGAGGACGACGTCCCTCCC[G>T]AAGAGAAGAGGCTGCGGCTGGGGCTGGAGGGGGGAAGCGCACAGCCCGAGGACTGCGAGG-3'